The following is an entry in ClinVar:

ClinVar aggregate classification (germline): Pathogenic. Review status: criteria provided, multiple submitters, no conflicts (2 of 4 stars). 2 submissions from 2 submitters: Pathogenic (2). Last evaluated 2022-10-09.

Conditions:
Neurofibromatosis, type 1 (NF1). Also called: Peripheral type neurofibromatosis; Neurofibromatosis, type I; VON RECKLINGHAUSEN DISEASE; NEUROFIBROMATOSIS, TYPE I, SOMATIC. Identifiers: Orphanet 636, MedGen C0027831, MONDO:0018975, OMIM 162200. Disease mechanism: loss of function.
Hereditary cancer-predisposing syndrome. Also called: Hereditary neoplastic syndrome; Neoplastic Syndromes, Hereditary; Hereditary Cancer Syndrome; Tumor predisposition. Identifiers: Orphanet 140162, MedGen C0027672, MeSH D009386, MONDO:0015356.
Cardiovascular phenotype. Identifiers: MedGen CN230736.

Submissions (2):

Labcorp Genetics (formerly Invitae), Labcorp
Classification: Pathogenic for Neurofibromatosis, type 1. Last evaluated: 2022-10-09. Review status: criteria provided, single submitter. Criteria: Invitae Variant Classification Sherloc (09022015). Collection method: clinical testing. Allele origin: germline.
Comment: For these reasons, this variant has been classified as Pathogenic. Algorithms developed to predict the effect of sequence changes on RNA splicing suggest that this variant may disrupt the consensus splice site. ClinVar contains an entry for this variant (Variation ID: 1409345). Disruption of this splice site has been observed in individual(s) with neurofibromatosis, type 1 (PMID: 21354044; Invitae). This variant is not present in population databases (gnomAD no frequency). This sequence change affects a donor splice site in intron 6 of the NF1 gene. It is expected to disrupt RNA splicing. Variants that disrupt the donor or acceptor splice site typically lead to a loss of protein function (PMID: 16199547), and loss-of-function variants in NF1 are known to be pathogenic (PMID: 10712197, 23913538).

Ambry Genetics
Classification: Pathogenic for Cardiovascular phenotype; Hereditary cancer-predisposing syndrome. Last evaluated: 2020-06-08. Review status: criteria provided, single submitter. Criteria: Ambry Variant Classification Scheme 2023. Collection method: clinical testing. Allele origin: germline.
Comment: The c.654+2T>A intronic pathogenic mutation results from a T to A substitution two nucleotides after coding exon 6 in the NF1 gene. Another variant at the same donor site (c.654+1G>T) has been identified in an individual meeting diagnostic criteria for neurofibromatosis type 1 and reported to result in skipping of exon 6 (Valero MC et al. J Mol Diagn 2011 Mar;13(2):113-22). In addition, RNA studies have demonstrated that c.654+2T>A results in the same abnormal splicing in the set of samples tested (Ambry internal data). Based on the supporting evidence, this alteration is interpreted as a disease-causing mutation.

Literature cited by the submitters: PubMed 21354044 (cited by Labcorp Genetics (formerly Invitae), Labcorp); PubMed 16199547 (cited by Labcorp Genetics (formerly Invitae), Labcorp); PubMed 10712197 (cited by Labcorp Genetics (formerly Invitae), Labcorp); PubMed 23913538 (cited by Labcorp Genetics (formerly Invitae), Labcorp).

NM_001042492.3(NF1):c.654+2T>A

Gene: NF1 (neurofibromin 1; plus strand). Cytogenetic location: 17q11.2.
Variant type: single nucleotide variant.
Coding change: c.654+2T>A on transcript NM_001042492.3 (MANE Select); the canonical splice donor site of the intron after coding-DNA position 654, T replaced by A.
Molecular consequence: splice donor variant.
Genome position (GRCh38, 1-based): chr17:31,181,491, T>A. VCF-style: chr17-31181491-T-A. GRCh37 (hg19) VCF-style: chr17-29508509-T-A.
Other names: c.654+2T>A (NM_000267.4, NM_001128147.3).
Identifiers: ClinVar variation 1409345 (VCV001409345.10), dbSNP rs2143774762, ClinGen allele CA398989541.